The following is an entry in ClinVar:

ClinVar aggregate classification (germline): Likely benign. Review status: criteria provided, multiple submitters, no conflicts (2 of 4 stars). 2 submissions from 2 submitters: Likely benign (2). Last evaluated 2025-10-09.

Allele frequency attached by ClinVar (database versions not stated): gnomAD 0.00006 and 0.00007; TOPMed 0.00006; 1000 Genomes Project 0.00040; 1000 Genomes Project 30x 0.00047.
gnomAD v4.1: 64 of 1,602,706 alleles (0.004%); highest among the groups gnomAD compares: South Asian, 0.03%; 1 homozygote.

Submissions (2):

Labcorp Genetics (formerly Invitae), Labcorp
Classification: Likely benign. Last evaluated: 2025-10-09. Review status: criteria provided, single submitter. Criteria: Invitae Variant Classification Sherloc (09022015). Collection method: clinical testing. Allele origin: germline.

GeneDx
Classification: Likely benign. Last evaluated: 2015-11-17. Review status: criteria provided, single submitter. Criteria: GeneDx Variant Classification (06012015). Collection method: clinical testing. Allele origin: germline. Affected: yes.
Comment: This variant is considered likely benign or benign based on one or more of the following criteria: it is a conservative change, it occurs at a poorly conserved position in the protein, it is predicted to be benign by multiple in silico algorithms, and/or has population frequency not consistent with disease.

NM_020247.5(COQ8A):c.1399-14C>T

Gene: COQ8A (coenzyme Q8A; plus strand). Cytogenetic location: 1q42.13.
Variant type: single nucleotide variant.
Coding change: c.1399-14C>T on transcript NM_020247.5 (MANE Select); 14 bases into the intron before coding-DNA position 1399, C replaced by T.
Molecular consequence: intron variant.
Genome position (GRCh38, 1-based): chr1:226,984,534, C>T. VCF-style: chr1-226984534-C-T. GRCh37 (hg19) VCF-style: chr1-227172235-C-T.
Identifiers: ClinVar variation 381279 (VCV000381279.9), dbSNP rs148742677, ClinGen allele CA1425478.